The following is an entry in ClinVar:

NM_002617.4(PEX10):c.3G>C (p.Met1Ile)

Gene: PEX10 (peroxisomal biogenesis factor 10; minus strand). Cytogenetic location: 1p36.32.
Variant type: single nucleotide variant.
Coding change: c.3G>C on transcript NM_002617.4 (MANE Select); coding-DNA position 3, G replaced by C.
Protein change: p.Met1Ile; changes the start codon (methionine 1).
Molecular consequence: missense variant, initiator codon variant. On other transcripts: intron variant (2).
Genome position (GRCh38, 1-based): chr1:2,412,500, C>G on the plus strand (G>C on the coding strand, the complement: PEX10 is on the minus strand). VCF-style: chr1-2412500-C-G. GRCh37 (hg19) VCF-style: chr1-2343939-C-G.
Other names: c.3G>C, p.Met1Ile (NM_001374425.1, NM_153818.2); c.-321+1097G>C (NM_001374427.1, NM_001374426.1); c.3G>C (NM_153818.1); short protein forms M1I.
Identifiers: ClinVar variation 3336181 (VCV003336181.2).

ClinVar aggregate classification (germline): Pathogenic/Likely pathogenic. Review status: criteria provided, multiple submitters, no conflicts (2 of 4 stars). 2 submissions from 2 submitters: Pathogenic (1); Likely pathogenic (1). Last evaluated 2024-05-17.

Conditions:
Peroxisome biogenesis disorder. Identifiers: Orphanet 79189, MedGen C1832200, MONDO:0019234. Disease mechanism: loss of function.
Peroxisome biogenesis disorder 6A (Zellweger). Also called: Peroxisome biogenesis disorder 6A. Identifiers: Orphanet 912, MedGen C3553947, MONDO:0013936, OMIM 614870.
Peroxisome biogenesis disorder 6B (PBD6B). Identifiers: Orphanet 44, MedGen C3553948, MONDO:0013937, OMIM 614871.

Submissions (2):

Fulgent Genetics
Classification: Pathogenic for Peroxisome biogenesis disorder 6A (Zellweger); Peroxisome biogenesis disorder 6B. Last evaluated: 2024-05-17. Review status: criteria provided, single submitter. Criteria: ACMG Guidelines, 2015. Collection method: clinical testing. Allele origin: germline.

Women's Health and Genetics/Laboratory Corporation of America, LabCorp
Classification: Likely pathogenic for Peroxisome biogenesis disorder. Last evaluated: 2024-05-05. Review status: criteria provided, single submitter. Criteria: LabCorp Variant Classification Summary - May 2015. Collection method: clinical testing. Allele origin: germline.
Comment: Variant summary: PEX10 c.3G>C (p.Met1Ile) alters the initiation codon and is predicted to result either in absence of the protein or truncation of the encoded protein due to translation initiation at a downstream codon. The next downstream in frame methionine residue is p.Met145. The variant was absent in 30282 control chromosomes. To our knowledge, no occurrence of c.3G>C in individuals affected with Zellweger Syndrome and no experimental evidence demonstrating its impact on protein function have been reported. A different variant at the initiator codon c.2T>C (p.Met1Thr) has been classified as Pathogenic by our laboratory. No submitters have cited clinical-significance assessments for this variant to ClinVar. Based on the evidence outlined above, the variant was classified as likely pathogenic.